The following is an entry in ClinVar:

ClinVar aggregate classification (germline): Uncertain significance (1 of 4 stars; one submission).

Conditions:
Cardiovascular phenotype. Identifiers: MedGen CN230736.

Submission:

Ambry Genetics
Classification: Uncertain significance for Cardiovascular phenotype. Last evaluated: 2024-12-23. Review status: criteria provided, single submitter. Criteria: Ambry Variant Classification Scheme 2023. Collection method: clinical testing. Allele origin: germline.
Comment: The p.P33L variant (also known as c.98C>T), located in coding exon 2 of the SPRED1 gene, results from a C to T substitution at nucleotide position 98. The proline at codon 33 is replaced by leucine, an amino acid with similar properties. This amino acid position is conserved. In addition, this alteration is predicted to be deleterious by in silico analysis. Based on the available evidence, the clinical significance of this variant remains unclear.

NM_152594.3(SPRED1):c.98C>T (p.Pro33Leu)

Gene: SPRED1 (sprouty related EVH1 domain containing 1; plus strand). Cytogenetic location: 15q14.
Variant type: single nucleotide variant.
Coding change: c.98C>T on transcript NM_152594.3 (MANE Select); coding-DNA position 98, C replaced by T.
Protein change: p.Pro33Leu; replaces proline 33 with leucine.
Molecular consequence: missense variant.
Genome position (GRCh38, 1-based): chr15:38,299,438, C>T. VCF-style: chr15-38299438-C-T. GRCh37 (hg19) VCF-style: chr15-38591639-C-T.
Other names: short protein forms P33L.
Identifiers: ClinVar variation 3800894 (VCV003800894.1).